The following is an entry in ClinVar:

ClinVar aggregate classification (germline): Uncertain significance. Review status: criteria provided, multiple submitters, no conflicts (2 of 4 stars). 2 submissions from 2 submitters: Uncertain significance (2). Last evaluated 2022-03-08.

Conditions:
Finnish congenital nephrotic syndrome (NPHS1). Also called: NEPHROTIC SYNDROME, TYPE 1. Identifiers: Orphanet 839, MedGen C0403399, MONDO:0009732, OMIM 256300.

Allele frequency attached by ClinVar (database versions not stated): TOPMed 0.00001.

Submissions (2):

Labcorp Genetics (formerly Invitae), Labcorp
Classification: Uncertain significance. Last evaluated: 2022-03-08. Review status: criteria provided, single submitter. Criteria: Invitae Variant Classification Sherloc (09022015). Collection method: clinical testing. Allele origin: germline.
Comment: This sequence change replaces serine, which is neutral and polar, with phenylalanine, which is neutral and non-polar, at codon 29 of the NPHS1 protein (p.Ser29Phe). This variant is not present in population databases (gnomAD no frequency). This variant has not been reported in the literature in individuals affected with NPHS1-related conditions. Advanced modeling of protein sequence and biophysical properties (such as structural, functional, and spatial information, amino acid conservation, physicochemical variation, residue mobility, and thermodynamic stability) performed at Invitae indicates that this missense variant is not expected to disrupt NPHS1 protein function. In summary, the available evidence is currently insufficient to determine the role of this variant in disease. Therefore, it has been classified as a Variant of Uncertain Significance.

Fulgent Genetics
Classification: Uncertain significance for Finnish congenital nephrotic syndrome. Last evaluated: 2021-07-27. Review status: criteria provided, single submitter. Criteria: ACMG Guidelines, 2015. Collection method: clinical testing. Allele origin: unknown.

NM_004646.4(NPHS1):c.86C>T (p.Ser29Phe)

Genes: KIRREL2 (kirre like nephrin family adhesion molecule 2; plus strand), NPHS1 (NPHS1 adhesion molecule, nephrin; minus strand). Cytogenetic location: 19q13.12.
Variant type: single nucleotide variant.
Coding change: c.86C>T on transcript NM_004646.4 (MANE Select); coding-DNA position 86, C replaced by T.
Protein change: p.Ser29Phe; replaces serine 29 with phenylalanine.
Molecular consequence: missense variant.
Genome position (GRCh38, 1-based): chr19:35,851,645, G>A on the plus strand (C>T on the coding strand, the complement: NPHS1 is on the minus strand). VCF-style: chr19-35851645-G-A. GRCh37 (hg19) VCF-style: chr19-36342547-G-A.
Other names: short protein forms S29F.
Identifiers: ClinVar variation 1444767 (VCV001444767.5), dbSNP rs1339541913, ClinGen allele CA405412383.